The following is an entry in ClinVar:

NM_001205293.3(CACNA1E):c.6878C>T (p.Pro2293Leu)

Gene: CACNA1E (calcium voltage-gated channel subunit alpha1 E; plus strand). Cytogenetic location: 1q25.3.
Variant type: single nucleotide variant.
Coding change: c.6878C>T on transcript NM_001205293.3 (MANE Select); coding-DNA position 6878, C replaced by T.
Protein change: p.Pro2293Leu; replaces proline 2293 with leucine.
Molecular consequence: missense variant.
Genome position (GRCh38, 1-based): chr1:181,798,770, C>T. VCF-style: chr1-181798770-C-T. GRCh37 (hg19) VCF-style: chr1-181767906-C-T.
Other names: c.6878C>T (NM_001205293.1); c.6749C>T, p.Pro2250Leu (NM_000721.4); c.6692C>T, p.Pro2231Leu (NM_001205294.2); short protein forms P2231L, P2250L, P2293L.
Identifiers: ClinVar variation 1615152 (VCV001615152.16), dbSNP rs750079172, ClinGen allele CA34197653.

ClinVar aggregate classification (germline): Benign/Likely benign. Review status: criteria provided, multiple submitters, no conflicts (2 of 4 stars). 3 submissions from 3 submitters: Benign (1); Likely benign (2). Last evaluated 2026-01-28.

Conditions:
Inborn genetic diseases. Identifiers: MedGen C0950123, MeSH D030342.

Allele frequency attached by ClinVar (database versions not stated): gnomAD exomes 0.00003 and 0.00004; gnomAD 0.00004; TOPMed 0.00005.
gnomAD v4.1: 64 of 1,592,128 alleles (0.004%); highest among the groups gnomAD compares: Non-Finnish European, 0.0049%; no homozygotes.

Submissions (3):

Labcorp Genetics (formerly Invitae), Labcorp
Classification: Benign. Last evaluated: 2026-01-28. Review status: criteria provided, single submitter. Criteria: Invitae Variant Classification Sherloc (09022015). Collection method: clinical testing. Allele origin: germline.

Ambry Genetics
Classification: Likely benign for Inborn genetic diseases. Last evaluated: 2025-09-26. Review status: criteria provided, single submitter. Criteria: Ambry Variant Classification Scheme 2023. Collection method: clinical testing. Allele origin: germline.

CeGaT Center for Human Genetics Tuebingen
Classification: Likely benign. Last evaluated: 2025-08-01. Review status: criteria provided, single submitter. Criteria: CeGaT Center For Human Genetics Tuebingen Variant Classification Criteria Version 2. Collection method: clinical testing. Allele origin: germline. Affected: yes. Observed: 1 variant allele.
Comment: CACNA1E: BS2